The following is an entry in ClinVar:

ClinVar aggregate classification (germline): Uncertain significance (1 of 4 stars; one submission).

Allele frequency attached by ClinVar (database versions not stated): gnomAD exomes below 0.00001.

Submission:

Labcorp Genetics (formerly Invitae), Labcorp
Classification: Uncertain significance. Last evaluated: 2025-04-21. Review status: criteria provided, single submitter. Criteria: Invitae Variant Classification Sherloc (09022015). Collection method: clinical testing. Allele origin: germline.
Comment: This sequence change replaces aspartic acid, which is acidic and polar, with asparagine, which is neutral and polar, at codon 293 of the COL11A2 protein (p.Asp293Asn). This variant is not present in population databases (gnomAD no frequency). This variant has not been reported in the literature in individuals affected with COL11A2-related conditions. ClinVar contains an entry for this variant (Variation ID: 1421124). An algorithm developed to predict the effect of missense changes on protein structure and function (PolyPhen-2) suggests that this variant is likely to be disruptive. In summary, the available evidence is currently insufficient to determine the role of this variant in disease. Therefore, it has been classified as a Variant of Uncertain Significance.

NM_080680.3(COL11A2):c.877G>A (p.Asp293Asn)

Gene: COL11A2 (collagen type XI alpha 2 chain; minus strand). Cytogenetic location: 6p21.32.
Variant type: single nucleotide variant.
Coding change: c.877G>A on transcript NM_080680.3 (MANE Select); coding-DNA position 877, G replaced by A.
Protein change: p.Asp293Asn; replaces aspartic acid 293 with asparagine.
Molecular consequence: missense variant. On other transcripts: intron variant (1).
Genome position (GRCh38, 1-based): chr6:33,185,054, C>T on the plus strand (G>A on the coding strand, the complement: COL11A2 is on the minus strand). VCF-style: chr6-33185054-C-T. GRCh37 (hg19) VCF-style: chr6-33152831-C-T.
Other names: c.799G>A, p.Asp267Asn (NM_080681.3); c.798+1573G>A (NM_080679.3); short protein forms D293N, D267N.
Identifiers: ClinVar variation 1421124 (VCV001421124.6), dbSNP rs1772218331, ClinGen allele CA363609531.
Genomic context (GRCh38, chr6:33,185,054, plus strand): 5'-CCTCAAGGGGTGGCAAGAGGCTCGACTCCAGGATTTCTTCCTCTTCACCTGGGGTGGGGT[C>T]CTGACCCCAAGGAGAGAAGGAGAAGAGTAGCACGGGGTGGGAAGGAAGGAGAAAGGTTAG-3'
Protein context (NP_542411.2, residues 283-303): MTTGTTPDYQ[Asp293Asn]PTPGEEEEIL